The following is an entry in ClinVar:

ClinVar aggregate classification (germline): Likely pathogenic (1 of 4 stars; one submission).

Submission:

CeGaT Center for Human Genetics Tuebingen
Classification: Likely pathogenic. Last evaluated: 2022-05-01. Review status: criteria provided, single submitter. Criteria: CeGaT Center For Human Genetics Tuebingen Variant Classification Criteria Version 2. Collection method: clinical testing. Allele origin: germline. Affected: yes. Observed: 1 variant allele.
Comment: ETHE1: PM1, PM2, PM5, PP3, PP4

NM_014297.5(ETHE1):c.488G>T (p.Arg163Leu)

Gene: ETHE1 (ETHE1 persulfide dioxygenase; minus strand). Cytogenetic location: 19q13.31.
Variant type: single nucleotide variant.
Coding change: c.488G>T on transcript NM_014297.5 (MANE Select); coding-DNA position 488, G replaced by T.
Protein change: p.Arg163Leu; replaces arginine 163 with leucine.
Molecular consequence: missense variant.
Genome position (GRCh38, 1-based): chr19:43,511,454, C>A on the plus strand (G>T on the coding strand, the complement: ETHE1 is on the minus strand). VCF-style: chr19-43511454-C-A. GRCh37 (hg19) VCF-style: chr19-44015606-C-A.
Other names: c.455G>T, p.Arg152Leu (NM_001320867.2); c.119G>T, p.Arg40Leu (NM_001320868.2); c.194G>T, p.Arg65Leu (NM_001320869.2); short protein forms R152L, R163L, R40L, R65L.
Identifiers: ClinVar variation 1694927 (VCV001694927.31), dbSNP rs745656120, ClinGen allele CA406175474.